The following is an entry in ClinVar:

ClinVar aggregate classification (germline): Uncertain significance (1 of 4 stars; one submission).

Conditions:
Hereditary spastic paraplegia 49 (HSAN9). Also called: Spastic paraplegia 49, autosomal recessive; NEUROPATHY, HEREDITARY SENSORY AND AUTONOMIC, TYPE IX, WITH DEVELOPMENTAL DELAY; TECPR2-Related Hereditary Sensory and Autonomic Neuropathy with Intellectual Disability. Identifiers: Orphanet 320385, MedGen C5190860, MONDO:0014016, OMIM 615031.

Submission:

Institute of Human Genetics, University of Leipzig Medical Center
Classification: Uncertain significance for Hereditary spastic paraplegia 49. Last evaluated: 2020-06-27. Review status: criteria provided, single submitter. Criteria: ACMG Guidelines, 2015. Collection method: clinical testing. Allele origin: biparental. Inheritance: Autosomal recessive inheritance. Affected: yes. Observed: 1 homozygote.
Comment: This missense variant c.3418T>G, p.(Trp1140Gly) in exon 16/20 of TECPR2 has not been reported in the general population, in public mutation databases or in the literature. However, biallelic truncating or missense variants have been described to cause "Spastic paraplegia 49, autosomal recessive" (Oz-Levi et al. Am J Hum Genet. 2012, PMID: 23176824). Multiple in silico-tools predict this variant as damaging. Two splicing predicition tools indicate a possible splice effect (SpliceSiteFinder-like, MaxEntScan). Taken together, we classify this variant as of unknown significance based on the ACMG recommendations (Richards et al., 2015, PMID 25741868; criteria: PM2 PP3).

NM_014844.5(TECPR2):c.3418T>G (p.Trp1140Gly)

Gene: TECPR2 (tectonin beta-propeller repeat containing 2; plus strand). Cytogenetic location: 14q32.31.
Variant type: single nucleotide variant.
Coding change: c.3418T>G on transcript NM_014844.5 (MANE Select); coding-DNA position 3418, T replaced by G.
Protein change: p.Trp1140Gly; replaces tryptophan 1140 with glycine.
Molecular consequence: missense variant.
Genome position (GRCh38, 1-based): chr14:102,452,405, T>G. VCF-style: chr14-102452405-T-G. GRCh37 (hg19) VCF-style: chr14-102918742-T-G.
Other names: c.3418T>G, p.Trp1140Gly (NM_001172631.3); short protein forms W1140G.
Identifiers: ClinVar variation 972711 (VCV000972711.3), dbSNP rs1890167079, ClinGen allele CA391068633.